The following is an entry in ClinVar:

NM_006073.4(TRDN):c.427A>C (p.Ile143Leu)

Gene: TRDN (triadin; minus strand). Cytogenetic location: 6q22.31.
Variant type: single nucleotide variant.
Coding change: c.427A>C on transcript NM_006073.4 (MANE Select); coding-DNA position 427, A replaced by C.
Protein change: p.Ile143Leu; replaces isoleucine 143 with leucine.
Molecular consequence: missense variant.
Genome position (GRCh38, 1-based): chr6:123,530,563, T>G on the plus strand (A>C on the coding strand, the complement: TRDN is on the minus strand). VCF-style: chr6-123530563-T-G. GRCh37 (hg19) VCF-style: chr6-123851708-T-G.
Other names: c.427A>C, p.Ile143Leu (NM_001251987.2, NM_001256020.2, NM_001256021.2 and 2 more transcripts); short protein forms I143L.
Identifiers: ClinVar variation 1739317 (VCV001739317.7), dbSNP rs1780197625, ClinGen allele CA365568526.

ClinVar aggregate classification (germline): Uncertain significance. Review status: criteria provided, multiple submitters, no conflicts (2 of 4 stars). 2 submissions from 2 submitters: Uncertain significance (2). Last evaluated 2022-04-29.

Conditions:
Cardiovascular phenotype. Identifiers: MedGen CN230736.
Catecholaminergic polymorphic ventricular tachycardia 1. Also called: VENTRICULAR TACHYCARDIA, CATECHOLAMINERGIC POLYMORPHIC, 1, WITH OR WITHOUT ATRIAL DYSFUNCTION AND/OR DILATED CARDIOMYOPATHY; VENTRICULAR TACHYCARDIA, STRESS-INDUCED POLYMORPHIC 1; RYR2-Related Catecholaminergic Polymorphic Ventricular Tachycardia. Identifiers: Orphanet 3286, MedGen C1631597, MONDO:0011484, OMIM 604772.

Allele frequency attached by ClinVar (database versions not stated): TOPMed below 0.00001; gnomAD 0.00001.
gnomAD v4.1: 1 of 1,245,538 alleles (0.00008%); highest among the groups gnomAD compares: African/African-American, 0.0016%; no homozygotes.

Submissions (2):

Labcorp Genetics (formerly Invitae), Labcorp
Classification: Uncertain significance for Catecholaminergic polymorphic ventricular tachycardia 1. Last evaluated: 2022-04-29. Review status: criteria provided, single submitter. Criteria: Invitae Variant Classification Sherloc (09022015). Collection method: clinical testing. Allele origin: germline.
Comment: In summary, the available evidence is currently insufficient to determine the role of this variant in disease. Therefore, it has been classified as a Variant of Uncertain Significance. Algorithms developed to predict the effect of missense changes on protein structure and function are either unavailable or do not agree on the potential impact of this missense change (SIFT: "Tolerated"; PolyPhen-2: "Not Available"; Align-GVGD: "Class C0"). This variant has not been reported in the literature in individuals affected with TRDN-related conditions. This variant is not present in population databases (gnomAD no frequency). This sequence change replaces isoleucine, which is neutral and non-polar, with leucine, which is neutral and non-polar, at codon 143 of the TRDN protein (p.Ile143Leu).

Ambry Genetics
Classification: Uncertain significance for Cardiovascular phenotype. Last evaluated: 2020-02-05. Review status: criteria provided, single submitter. Criteria: Ambry Variant Classification Scheme 2023. Collection method: clinical testing. Allele origin: germline.
Comment: The p.I143L variant (also known as c.427A>C), located in coding exon 5 of the TRDN gene, results from an A to C substitution at nucleotide position 427. The isoleucine at codon 143 is replaced by leucine, an amino acid with highly similar properties. This amino acid position is well conserved in available vertebrate species. In addition, this alteration is predicted to be tolerated by in silico analysis. Since supporting evidence is limited at this time, the clinical significance of this alteration remains unclear.